The following is an entry in ClinVar:

NM_001023.4(RPS20):c.91_92delinsAA (p.Ser31Asn)

Gene: RPS20 (ribosomal protein S20; minus strand). Cytogenetic location: 8q12.1.
Variant type: Indel.
Coding change: c.91_92delinsAA on transcript NM_001023.4 (MANE Select); coding-DNA positions 91 to 92, TC replaced by AA.
Protein change: p.Ser31Asn; replaces serine 31 with asparagine.
Molecular consequence: missense variant.
Genome position (GRCh38, 1-based): chr8:56,074,071-56,074,072, GA replaced by TT on the plus strand (TC replaced by AA on the coding strand, the reverse complement: RPS20 is on the minus strand). VCF-style: chr8-56074071-GA-TT. GRCh37 (hg19) VCF-style: chr8-56986630-GA-TT.
Other names: c.91_92delinsAA, p.Ser31Asn (NM_001146227.3); short protein forms S31N.
Identifiers: ClinVar variation 4156742 (VCV004156742.1).

ClinVar aggregate classification (germline): Uncertain significance (1 of 4 stars; one submission).

Submission:

Ambry Genetics
Classification: Uncertain significance. Last evaluated: 2025-09-04. Review status: criteria provided, single submitter. Criteria: Ambry Variant Classification Scheme 2023. Collection method: clinical testing. Allele origin: germline.
Comment: The c.91_92delTCinsAA variant (also known as p.S31N), located in coding exon 2 of the RPS20 gene, results from an in-frame deletion of TC and insertion of AA at nucleotide positions 91 to 92. This results in the substitution of the serine residue for an asparagine residue at codon 31, an amino acid with highly similar properties. This amino acid position is highly conserved in available vertebrate species. In addition, this variant is predicted to be neutral by in silico analysis (Choi Y et al. PLoS ONE. 2012; 7(10):e46688). Based on the available evidence, the clinical significance of this variant remains unclear.